The following is an entry in ClinVar:

NM_032730.5(RTN4IP1):c.118_119insTTA (p.Arg39_Ser40insIle)

Gene: RTN4IP1 (reticulon 4 interacting protein 1; minus strand). Cytogenetic location: 6q21.
Variant type: Insertion.
Coding change: c.118_119insTTA on transcript NM_032730.5 (MANE Select); coding-DNA positions 118 to 119, TTA inserted.
Protein change: p.Arg39_Ser40insIle.
Molecular consequence: inframe insertion. On other transcripts: intron variant (1).
Genome position: GRCh38 VCF-style: chr6-106628903-C-CTAA. GRCh37 (hg19) VCF-style: chr6-107076778-C-CTAA.
Other names: c.-27+1423_-27+1424insATT (NM_001318746.1).
Identifiers: ClinVar variation 493442 (VCV000493442.49), dbSNP rs766393425, ClinGen allele CA3944585.

ClinVar aggregate classification (germline): Uncertain significance. Review status: criteria provided, multiple submitters, no conflicts (2 of 4 stars). 2 submissions from 2 submitters: Uncertain significance (2). Last evaluated 2020-11-10.

Submissions (2):

Labcorp Genetics (formerly Invitae), Labcorp
Classification: Uncertain significance. Last evaluated: 2020-11-10. Review status: criteria provided, single submitter. Criteria: Invitae Variant Classification Sherloc (09022015). Collection method: clinical testing. Allele origin: germline.
Comment: This variant has not been reported in the literature in individuals with RTN4IP1-related conditions. ClinVar contains an entry for this variant (Variation ID: 493442). This variant, c.118_119insTTA, results in the insertion of 1 amino acid(s) to the RTN4IP1 protein (p.Arg39_Ser40insIle), but otherwise preserves the integrity of the reading frame. The frequency data for this variant in the population databases is considered unreliable, as metrics indicate poor data quality at this position in the ExAC database. Experimental studies and prediction algorithms are not available or were not evaluated, and the functional significance of this variant is currently unknown. In summary, the available evidence is currently insufficient to determine the role of this variant in disease. Therefore, it has been classified as a Variant of Uncertain Significance.

CeGaT Center for Human Genetics Tuebingen
Classification: Uncertain significance. Last evaluated: 2017-07-01. Review status: criteria provided, single submitter. Criteria: CeGaT Center For Human Genetics Tuebingen Variant Classification Criteria Version 2. Collection method: clinical testing. Allele origin: germline. Affected: yes. Observed: 1 variant allele.